The following is an entry in ClinVar:

ClinVar aggregate classification (germline): Uncertain significance. Review status: criteria provided, single submitter (1 of 4 stars). 2 submissions from 2 submitters: Uncertain significance (1). 1 of the submissions does not count toward it. Last evaluated 2021-12-02.

Conditions:
Primary ciliary dyskinesia. Also called: Ciliary dyskinesia. Identifiers: Orphanet 244, MedGen C0008780, MONDO:0016575, HP:0012265.

Allele frequency attached by ClinVar (database versions not stated): gnomAD exomes below 0.00001.
gnomAD v4.1: 2 of 1,614,158 alleles (0.00012%); highest among the groups gnomAD compares: East Asian, 0.0045%; no homozygotes.

Submissions (2):

Ambry Genetics
Classification: Uncertain significance for Primary ciliary dyskinesia. Last evaluated: 2021-12-02. Review status: criteria provided, single submitter. Criteria: Ambry Variant Classification Scheme 2023. Collection method: clinical testing. Allele origin: germline.
Comment: The p.E3434G variant (also known as c.10301A>G), located in coding exon 61 of the DNAH5 gene, results from an A to G substitution at nucleotide position 10301. The glutamic acid at codon 3434 is replaced by glycine, an amino acid with similar properties. This amino acid position is conserved. In addition, the in silico prediction for this alteration is inconclusive. Since supporting evidence is limited at this time, the clinical significance of this alteration remains unclear.

Natera, Inc.
Classification: Uncertain significance for Primary ciliary dyskinesia. Last evaluated: 2020-08-14. Review status: no assertion criteria provided. Collection method: clinical testing. Allele origin: germline. Not counted in ClinVar's aggregate classification.

NM_001369.3(DNAH5):c.10301A>G (p.Glu3434Gly)

Gene: DNAH5 (dynein axonemal heavy chain 5; minus strand). Cytogenetic location: 5p15.2.
Variant type: single nucleotide variant.
Coding change: c.10301A>G on transcript NM_001369.3 (MANE Select); coding-DNA position 10301, A replaced by G.
Protein change: p.Glu3434Gly; replaces glutamic acid 3434 with glycine.
Molecular consequence: missense variant.
Genome position (GRCh38, 1-based): chr5:13,758,964, T>C on the plus strand (A>G on the coding strand, the complement: DNAH5 is on the minus strand). VCF-style: chr5-13758964-T-C. GRCh37 (hg19) VCF-style: chr5-13759073-T-C.
Other names: short protein forms E3434G.
Identifiers: ClinVar variation 991999 (VCV000991999.3), dbSNP rs1751407075, ClinGen allele CA359195955.